The following is an entry in ClinVar:

NM_198576.4(AGRN):c.39_47dup (p.12_14PLL[3])

Gene: AGRN (agrin; plus strand). Cytogenetic location: 1p36.33.
Variant type: Duplication.
Coding change: c.39_47dup on transcript NM_198576.4 (MANE Select); coding-DNA positions 39 to 47, 9 bases duplicated (GCTGCCGCT; older notation c.39_47dupGCTGCCGCT).
Protein change: p.12_14PLL[3].
Molecular consequence: inframe insertion.
Genome position (GRCh38, 1-based): chr1:1,020,211-1,020,219, GCTGCCGCT duplicated; duplicating any 9 consecutive bases within chr1:1,020,205-1,020,219 gives the same sequence; the c. name uses the placement nearest the transcript's 3' end. VCF-style (leftmost placement, unchanged base first): chr1-1020204-G-GGCCGCTGCT. GRCh37 (hg19) VCF-style: chr1-955584-G-GGCCGCTGCT.
Other names: c.39_47dupGCTGCCGCT (NM_198576.3); c.39_47dup, p.12_14PLL[3] (NM_001305275.2).
Identifiers: ClinVar variation 574825 (VCV000574825.5), dbSNP rs1196847979, ClinGen allele CA415348970.

ClinVar aggregate classification (germline): Uncertain significance. Review status: criteria provided, multiple submitters, no conflicts (2 of 4 stars). 2 submissions from 2 submitters: Uncertain significance (2). Last evaluated 2024-01-09.

Conditions:
Congenital myasthenic syndrome 8. Also called: Myasthenic syndrome, congenital, 8, with pre- and postsynaptic defects; MYASTHENIC SYNDROME, CONGENITAL, DUE TO AGRIN DEFICIENCY. Identifiers: Orphanet 590, MedGen C3808739, MONDO:0014052, OMIM 615120.

Submissions (2):

Labcorp Genetics (formerly Invitae), Labcorp
Classification: Uncertain significance for Congenital myasthenic syndrome 8. Last evaluated: 2024-01-09. Review status: criteria provided, single submitter. Criteria: Invitae Variant Classification Sherloc (09022015). Collection method: clinical testing. Allele origin: germline.
Comment: This variant, c.39_47dup, results in the insertion of 3 amino acid(s) of the AGRN protein (p.Pro15_Leu17dup), but otherwise preserves the integrity of the reading frame. The frequency data for this variant in the population databases is considered unreliable, as metrics indicate poor data quality at this position in the gnomAD database. This variant has not been reported in the literature in individuals affected with AGRN-related conditions. ClinVar contains an entry for this variant (Variation ID: 574825). Experimental studies and prediction algorithms are not available or were not evaluated, and the functional significance of this variant is currently unknown. In summary, the available evidence is currently insufficient to determine the role of this variant in disease. Therefore, it has been classified as a Variant of Uncertain Significance.

Blueprint Genetics
Classification: Uncertain significance. Last evaluated: 2022-07-22. Review status: criteria provided, single submitter. Criteria: ACMG Guidelines, 2015. Collection method: clinical testing. Allele origin: germline.